The following is an entry in ClinVar:

ClinVar aggregate classification (germline): Uncertain significance (1 of 4 stars; one submission).

Conditions:
CHARGE syndrome (CHARGE). Also called: Hittner Hirsch Kreh syndrome; CHARGE ASSOCIATION--COLOBOMA, HEART ANOMALY, CHOANAL ATRESIA, RETARDATION, GENITAL AND EAR ANOMALIES; Coloboma, heart anomaly, choanal atresia, retardation, genital and ear anomalies; CHARGE association; Hall-Hittner syndrome. Identifiers: Orphanet 138, MedGen C0265354, MONDO:0008965.

Submission:

Labcorp Genetics (formerly Invitae), Labcorp
Classification: Uncertain significance for CHARGE syndrome. Last evaluated: 2023-08-27. Review status: criteria provided, single submitter. Criteria: Invitae Variant Classification Sherloc (09022015). Collection method: clinical testing. Allele origin: germline.
Comment: This sequence change replaces arginine, which is basic and polar, with leucine, which is neutral and non-polar, at codon 1620 of the CHD7 protein (p.Arg1620Leu). This variant is not present in population databases (gnomAD no frequency). In summary, the available evidence is currently insufficient to determine the role of this variant in disease. Therefore, it has been classified as a Variant of Uncertain Significance. Advanced modeling of protein sequence and biophysical properties (such as structural, functional, and spatial information, amino acid conservation, physicochemical variation, residue mobility, and thermodynamic stability) performed at Invitae indicates that this missense variant is expected to disrupt CHD7 protein function. This variant has not been reported in the literature in individuals affected with CHD7-related conditions.

NM_017780.4(CHD7):c.4859G>T (p.Arg1620Leu)

Gene: CHD7 (chromodomain helicase DNA binding protein 7; plus strand). Cytogenetic location: 8q12.2.
Variant type: single nucleotide variant.
Coding change: c.4859G>T on transcript NM_017780.4 (MANE Select); coding-DNA position 4859, G replaced by T.
Protein change: p.Arg1620Leu; replaces arginine 1620 with leucine.
Molecular consequence: missense variant. On other transcripts: intron variant (1).
Genome position (GRCh38, 1-based): chr8:60,844,872, G>T. VCF-style: chr8-60844872-G-T. GRCh37 (hg19) VCF-style: chr8-61757431-G-T.
Other names: c.1717-17357G>T (NM_001316690.1); short protein forms R1620L.
Identifiers: ClinVar variation 2755554 (VCV002755554.3), dbSNP rs768497646, ClinGen allele CA371319744.